The following is an entry in ClinVar:

NM_017780.4(CHD7):c.7830+5G>A

Gene: CHD7 (chromodomain helicase DNA binding protein 7; plus strand). Cytogenetic location: 8q12.2.
Variant type: single nucleotide variant.
Coding change: c.7830+5G>A on transcript NM_017780.4 (MANE Select); 5 bases into the intron after coding-DNA position 7830, G replaced by A.
Molecular consequence: intron variant.
Genome position (GRCh38, 1-based): chr8:60,861,130, G>A. VCF-style: chr8-60861130-G-A. GRCh37 (hg19) VCF-style: chr8-61773689-G-A.
Other names: c.1717-1099G>A (NM_001316690.1).
Identifiers: ClinVar variation 2840634 (VCV002840634.3), dbSNP rs2488109124, ClinGen allele CA2739268819.

ClinVar aggregate classification (germline): Uncertain significance (1 of 4 stars; one submission).

Conditions:
CHARGE syndrome (CHARGE). Also called: Hittner Hirsch Kreh syndrome; CHARGE ASSOCIATION--COLOBOMA, HEART ANOMALY, CHOANAL ATRESIA, RETARDATION, GENITAL AND EAR ANOMALIES; Coloboma, heart anomaly, choanal atresia, retardation, genital and ear anomalies; CHARGE association; Hall-Hittner syndrome. Identifiers: Orphanet 138, MedGen C0265354, MONDO:0008965.

Submission:

Labcorp Genetics (formerly Invitae), Labcorp
Classification: Uncertain significance for CHARGE syndrome. Last evaluated: 2023-02-25. Review status: criteria provided, single submitter. Criteria: Invitae Variant Classification Sherloc (09022015). Collection method: clinical testing. Allele origin: germline.
Comment: In summary, the available evidence is currently insufficient to determine the role of this variant in disease. Therefore, it has been classified as a Variant of Uncertain Significance. Variants that disrupt the consensus splice site are a relatively common cause of aberrant splicing (PMID: 17576681, 9536098). Algorithms developed to predict the effect of sequence changes on RNA splicing suggest that this variant may disrupt the consensus splice site. This variant has not been reported in the literature in individuals affected with CHD7-related conditions. This variant is not present in population databases (gnomAD no frequency). This sequence change falls in intron 35 of the CHD7 gene. It does not directly change the encoded amino acid sequence of the CHD7 protein. It affects a nucleotide within the consensus splice site.

Literature cited by the submitters: PubMed 17576681; PubMed 9536098.